The following is an entry in ClinVar:

NM_153717.3(EVC):c.1316-1G>C

Gene: EVC (EvC ciliary complex subunit 1; plus strand). Cytogenetic location: 4p16.2.
Variant type: single nucleotide variant.
Coding change: c.1316-1G>C on transcript NM_153717.3 (MANE Select); the canonical splice acceptor site of the intron before coding-DNA position 1316, G replaced by C.
Molecular consequence: splice acceptor variant.
Genome position (GRCh38, 1-based): chr4:5,753,784, G>C. VCF-style: chr4-5753784-G-C. GRCh37 (hg19) VCF-style: chr4-5755511-G-C.
Other names: c.1316-1G>C (NM_001306090.2, NM_001306092.2).
Identifiers: ClinVar variation 5004069 (VCV005004069.1).

ClinVar aggregate classification (germline): Likely pathogenic (1 of 4 stars; one submission).

Conditions:
Ellis-van Creveld syndrome (EVC). Also called: Chondroectodermal dysplasia; MESOECTODERMAL DYSPLASIA. Identifiers: Orphanet 289, MedGen C0013903, MONDO:0009162, OMIM 225500.

Submission:

Myriad Genetics, Inc.
Classification: Likely pathogenic for Ellis-van Creveld syndrome. Last evaluated: 2025-07-23. Review status: criteria provided, single submitter. Criteria: Myriad Autosomal Dominant, Autosomal Recessive and X-Linked Classification Criteria (2023). Collection method: clinical testing. Allele origin: unknown.
Comment: NM_153717.2(EVC):c.1316-1G>C is a variant in a canonical splice site classified as likely pathogenic in the context of EVC-related Ellis-van Creveld syndrome. c.1316-1G>C has not been observed in cases with relevant disease. Relevant functional assessments of this variant are not available in the literature. c.1316-1G>C has not been observed in referenced population frequency databases. In summary, NM_153717.2(EVC):c.1316-1G>C is a variant in a canonical splice site in a gene where loss of function is a known mechanism of disease and is predicted to disrupt protein function. Please note: this variant was assessed in the context of healthy population screening.